The following is an entry in ClinVar:

ClinVar aggregate classification (germline): Uncertain significance. Review status: criteria provided, multiple submitters, no conflicts (2 of 4 stars). 2 submissions from 2 submitters: Uncertain significance (2). Last evaluated 2024-09-30.

Conditions:
Inborn genetic diseases. Identifiers: MedGen C0950123, MeSH D030342.

Allele frequency attached by ClinVar (database versions not stated): ExAC 0.00001; gnomAD exomes 0.00002; gnomAD 0.00011; TOPMed 0.00019.
gnomAD v4.1: 47 of 1,613,002 alleles (0.0029%); highest among the groups gnomAD compares: African/African-American, 0.024%; no homozygotes.

Submissions (2):

Labcorp Genetics (formerly Invitae), Labcorp
Classification: Uncertain significance. Last evaluated: 2024-09-30. Review status: criteria provided, single submitter. Criteria: Invitae Variant Classification Sherloc (09022015). Collection method: clinical testing. Allele origin: germline.
Comment: This sequence change replaces arginine, which is basic and polar, with cysteine, which is neutral and slightly polar, at codon 326 of the TYRP1 protein (p.Arg326Cys). This variant is present in population databases (rs758005695, gnomAD 0.03%). This missense change has been observed in individual(s) with clinical features of TYRP1-related conditions (internal data). In at least one individual the data is consistent with being in trans (on the opposite chromosome) from a pathogenic variant. ClinVar contains an entry for this variant (Variation ID: 2181733). Invitae Evidence Modeling of protein sequence and biophysical properties (such as structural, functional, and spatial information, amino acid conservation, physicochemical variation, residue mobility, and thermodynamic stability) indicates that this missense variant is expected to disrupt TYRP1 protein function with a positive predictive value of 80%. In summary, the available evidence is currently insufficient to determine the role of this variant in disease. Therefore, it has been classified as a Variant of Uncertain Significance.

Ambry Genetics
Classification: Uncertain significance for Inborn genetic diseases. Last evaluated: 2023-10-05. Review status: criteria provided, single submitter. Criteria: Ambry Variant Classification Scheme 2023. Collection method: clinical testing. Allele origin: germline.

NM_000550.3(TYRP1):c.976C>T (p.Arg326Cys)

Genes: LURAP1L-AS1 (LURAP1L antisense RNA 1; minus strand), TYRP1 (tyrosinase related protein 1; plus strand). Cytogenetic location: 9p23.
Variant type: single nucleotide variant.
Coding change: c.976C>T on transcript NM_000550.3 (MANE Select); coding-DNA position 976, C replaced by T.
Protein change: p.Arg326Cys; replaces arginine 326 with cysteine.
Molecular consequence: missense variant.
Genome position (GRCh38, 1-based): chr9:12,702,333, C>T. VCF-style: chr9-12702333-C-T. GRCh37 (hg19) VCF-style: chr9-12702333-C-T.
Other names: c.976C>T (NM_000550.2); short protein forms R326C.
Identifiers: ClinVar variation 2181733 (VCV002181733.3), dbSNP rs758005695, ClinGen allele CA4985396.